The following is an entry in ClinVar:

ClinVar aggregate classification (germline): Pathogenic. Review status: criteria provided, multiple submitters, no conflicts (2 of 4 stars). 7 submissions from 7 submitters: Pathogenic (4). 3 of the submissions do not count toward it. Last evaluated 2025-12-10.

Conditions:
Cholestanol storage disease (CTX). Also called: CEREBRAL CHOLESTERINOSIS; Cerebrotendinous Xanthomatosis; CTX: Cerebrotendinous xanthomatosis. Identifiers: Orphanet 909, MedGen C0238052, MONDO:0008948, OMIM 213700.

Allele frequency attached by ClinVar (database versions not stated): gnomAD exomes below 0.00001; TOPMed below 0.00001.

Submissions (7):

Labcorp Genetics (formerly Invitae), Labcorp
Classification: Pathogenic for Cholestanol storage disease. Last evaluated: 2025-12-10. Review status: criteria provided, single submitter. Criteria: Invitae Variant Classification Sherloc (09022015). Collection method: clinical testing. Allele origin: germline.
Comment: This sequence change creates a premature translational stop signal (p.Ala3Cysfs*178) in the CYP27A1 gene. It is expected to result in an absent or disrupted protein product. Loss-of-function variants in CYP27A1 are known to be pathogenic (PMID: 9392430, 10775536, 26937392). This variant is not present in population databases (gnomAD no frequency). This premature translational stop signal has been observed in individual(s) with cerebrotendinous xanthomatosis (PMID: 7860076). This variant is also known as c.6insC. ClinVar contains an entry for this variant (Variation ID: 65882). For these reasons, this variant has been classified as Pathogenic.

Natera, Inc.
Classification: Pathogenic for Cerebrotendinous xanthomatosis. Last evaluated: 2025-02-05. Review status: criteria provided, single submitter. Criteria: Natera Variant Classification Schema (03/2026). Collection method: clinical testing. Allele origin: germline.
Comment: The c.5dup variant in CYP27A1 is a frameshift variant predicted to shift the reading frame beginning at codon 3 and leads to a stop codon 178 codons downstream. This variant is expected to result in nonsense mediated decay, truncation, or a dysfunctional protein product. This variant is rare in the general population with a frequency below the threshold expected for the associated phenotype(s). This variant has been observed to segregate in affected family members (PMID: 7860076). Given the available evidence, this variant is classified as Pathogenic.

Baylor Genetics
Classification: Pathogenic for Cholestanol storage disease. Last evaluated: 2024-03-01. Review status: criteria provided, single submitter. Criteria: ACMG Guidelines, 2015. Collection method: clinical testing. Allele origin: unknown.

GeneDx
Classification: Pathogenic. Last evaluated: 2022-09-09. Review status: criteria provided, single submitter. Criteria: GeneDx Variant Classification Process June 2021. Collection method: clinical testing. Allele origin: germline. Affected: yes.
Comment: Not observed at significant frequency in large population cohorts (gnomAD); Frameshift variant predicted to result in protein truncation or nonsense mediated decay in a gene for which loss of function is a known mechanism of disease; This variant is associated with the following publications: (PMID: 31589614, 7860076)

GeneReviews
Classification: Pathogenic for Cerebrotendinous Xanthomatosis. Last evaluated: 2013-08-01. Review status: no assertion criteria provided. Collection method: curation. Allele origin: unknown. Not counted in ClinVar's aggregate classification.
ClinVar note: Converted during submission from pathologic to Pathogenic.

Clinical Genetics, Academic Medical Center
Classification: Pathogenic. Review status: no assertion criteria provided. Collection method: clinical testing. Allele origin: germline. Affected: yes. Study: VKGL Data-share Consensus. Not counted in ClinVar's aggregate classification.

Joint Genome Diagnostic Labs from Nijmegen and Maastricht, Radboudumc and MUMC+
Classification: Pathogenic. Review status: no assertion criteria provided. Collection method: clinical testing. Allele origin: germline. Affected: yes. Study: VKGL Data-share Consensus. Not counted in ClinVar's aggregate classification.

Literature cited by the submitters: PubMed 9392430 (cited by Labcorp Genetics (formerly Invitae), Labcorp); PubMed 10775536 (cited by Labcorp Genetics (formerly Invitae), Labcorp); PubMed 26937392 (cited by Labcorp Genetics (formerly Invitae), Labcorp); PubMed 7860076 (cited by Labcorp Genetics (formerly Invitae), Labcorp and Natera, Inc.).

NM_000784.4(CYP27A1):c.5dup (p.Ala3fs)

Gene: CYP27A1 (cytochrome P450 family 27 subfamily A member 1; plus strand). Cytogenetic location: 2q35.
Variant type: Duplication.
Coding change: c.5dup on transcript NM_000784.4 (MANE Select); coding-DNA position 5, one base duplicated (C; older notation c.5dupC).
Protein change: p.Ala3fs; shifts the reading frame from alanine 3.
Molecular consequence: frameshift variant.
Genome position (GRCh38, 1-based): chr2:218,782,187, C duplicated. VCF-style (leftmost placement, unchanged base first): chr2-218782186-G-GC. GRCh37 (hg19) VCF-style: chr2-219646909-G-GC.
Other names: c.5_6insC; c.5_6insC (NM_000784.3); c.5dup (NM_000784.3); short protein forms A3fs.
Identifiers: ClinVar variation 65882 (VCV000065882.18), dbSNP rs587778802, ClinGen allele CA345219.
Genomic context (GRCh38, chr2:218,782,186, plus strand): 5'-GGGCGGGTCCGGGGACTCAGCACTCGACCCAAAGGTGCAGGCGCGCGAGCACAACCCATG[G>GC]CTGCGCTGGGCTGCGCGAGGCTGAGGTGGGCGCTGCGAGGGGCCGGCCGTGGCCTCTGCC-3'